The following is an entry in ClinVar:

ClinVar aggregate classification (germline): Uncertain significance. Review status: criteria provided, multiple submitters, no conflicts (2 of 4 stars). 3 submissions from 3 submitters: Uncertain significance (3). Last evaluated 2023-10-23.

Conditions:
Classic or attenuated familial adenomatous polyposis. Identifiers: MedGen CN372698, MONDO:0021057.
Hereditary cancer-predisposing syndrome. Also called: Tumor predisposition; Hereditary neoplastic syndrome; Neoplastic Syndromes, Hereditary; Hereditary Cancer Syndrome. Identifiers: Orphanet 140162, MedGen C0027672, MeSH D009386, MONDO:0015356.
Familial adenomatous polyposis 1 (FAP1). Also called: POLYPOSIS, ADENOMATOUS INTESTINAL; FAMILIAL ADENOMATOUS POLYPOSIS 1, ATTENUATED. Identifiers: MedGen C2713442, MONDO:0021056, OMIM 175100. Disease mechanism: loss of function.

Allele frequency attached by ClinVar (database versions not stated): gnomAD exomes below 0.00001.
gnomAD v4.1: 1 of 1,614,112 alleles (0.000062%); highest among the groups gnomAD compares: Non-Finnish European, 0.000085%; no homozygotes.

Submissions (3):

All of Us Research Program, National Institutes of Health
Classification: Uncertain significance for Classic or attenuated familial adenomatous polyposis. Last evaluated: 2023-10-23. Review status: criteria provided, single submitter. Criteria: ACMG Guidelines, 2015. Collection method: clinical testing. Allele origin: germline. Inheritance: Autosomal dominant inheritance. Observed: 1 variant allele, 1 heterozygote.
Comment: This missense variant replaces glutamine with glutamic acid at codon 1477 of the APC protein. Computational prediction suggests that this variant may not impact protein structure and function (internally defined REVEL score threshold <= 0.5, PMID: 27666373). To our knowledge, functional studies have not been reported for this variant. This variant has not been reported in individuals affected with APC-related disorders in the literature. This variant has not been identified in the general population by the Genome Aggregation Database (gnomAD). The available evidence is insufficient to determine the role of this variant in disease conclusively. Therefore, this variant is classified as a Variant of Uncertain Significance.

This study involves interpretation of variants in research participants for the purpose of population health screening. Participant phenotype was not available at the time of variant classification. Additional details can be found in publication PMID: 35346344, PMCID: PMC8962531

Ambry Genetics
Classification: Uncertain significance for Hereditary cancer-predisposing syndrome. Last evaluated: 2023-04-17. Review status: criteria provided, single submitter. Criteria: Ambry Variant Classification Scheme 2023. Collection method: clinical testing. Allele origin: germline.
Comment: The p.Q1477E variant (also known as c.4429C>G), located in coding exon 15 of the APC gene, results from a C to G substitution at nucleotide position 4429. The glutamine at codon 1477 is replaced by glutamic acid, an amino acid with highly similar properties. This amino acid position is conserved. In addition, in silico predictors for this gene do not accurately predict pathogenicity. Since supporting evidence is limited at this time, the clinical significance of this alteration remains unclear.

Labcorp Genetics (formerly Invitae), Labcorp
Classification: Uncertain significance for Familial adenomatous polyposis 1. Last evaluated: 2022-05-14. Review status: criteria provided, single submitter. Criteria: Invitae Variant Classification Sherloc (09022015). Collection method: clinical testing. Allele origin: germline.
Comment: This variant has not been reported in the literature in individuals affected with APC-related conditions. In summary, the available evidence is currently insufficient to determine the role of this variant in disease. Therefore, it has been classified as a Variant of Uncertain Significance. Algorithms developed to predict the effect of missense changes on protein structure and function are either unavailable or do not agree on the potential impact of this missense change (SIFT: "Tolerated"; PolyPhen-2: "Probably Damaging"; Align-GVGD: "Class C0"). This variant is not present in population databases (gnomAD no frequency). This sequence change replaces glutamine, which is neutral and polar, with glutamic acid, which is acidic and polar, at codon 1477 of the APC protein (p.Gln1477Glu).

NM_000038.6(APC):c.4429C>G (p.Gln1477Glu)

Gene: APC (APC regulator of Wnt signaling pathway; plus strand). Cytogenetic location: 5q22.2.
Variant type: single nucleotide variant.
Coding change: c.4429C>G on transcript NM_000038.6 (MANE Select); coding-DNA position 4429, C replaced by G.
Protein change: p.Gln1477Glu; replaces glutamine 1477 with glutamic acid.
Molecular consequence: missense variant.
Genome position (GRCh38, 1-based): chr5:112,840,023, C>G. VCF-style: chr5-112840023-C-G. GRCh37 (hg19) VCF-style: chr5-112175720-C-G.
Other names: c.4345C>G, p.Gln1449Glu (NM_001354899.2); c.4306C>G, p.Gln1436Glu (NM_001354900.2); c.4252C>G, p.Gln1418Glu (NM_001354901.2, NM_001407453.1); c.4156C>G, p.Gln1386Glu (NM_001354902.2); c.4126C>G, p.Gln1376Glu (NM_001354903.2, NM_001407458.1, NM_001407459.1 and 1 more transcripts); c.4051C>G, p.Gln1351Glu (NM_001354904.2); c.3949C>G, p.Gln1317Glu (NM_001354905.2); c.3580C>G, p.Gln1194Glu (NM_001354906.2, NM_001407470.1); and 12 more; short protein forms Q1093E, Q1317E, Q1418E, Q1449E, Q1495E, Q1348E, Q1436E, Q1452E.
Identifiers: ClinVar variation 1981368 (VCV001981368.7), dbSNP rs2149914507, ClinGen allele CA16031026.